The following is an entry in ClinVar:

ClinVar aggregate classification (germline): Uncertain significance (1 of 4 stars; one submission).

Submission:

GeneDx
Classification: Uncertain significance. Last evaluated: 2022-10-06. Review status: criteria provided, single submitter. Criteria: GeneDx Variant Classification Process June 2021. Collection method: clinical testing. Allele origin: germline. Affected: yes.
Comment: Not observed at significant frequency in large population cohorts (gnomAD); In silico analysis supports that this missense variant has a deleterious effect on protein structure/function; Has not been previously published as pathogenic or benign to our knowledge

NM_181552.4(CUX1):c.2123C>A (p.Ser708Tyr)

Gene: CUX1 (cut like homeobox 1; plus strand). Cytogenetic location: 7q22.1.
Variant type: single nucleotide variant.
Coding change: c.2123C>A on transcript NM_181552.4 (MANE Select); coding-DNA position 2123, C replaced by A.
Protein change: p.Ser708Tyr; replaces serine 708 with tyrosine.
Molecular consequence: missense variant. On other transcripts: intron variant (5).
Genome position (GRCh38, 1-based): chr7:102,201,420, C>A. VCF-style: chr7-102201420-C-A. GRCh37 (hg19) VCF-style: chr7-101844700-C-A.
Other names: c.2156C>A, p.Ser719Tyr (NM_001202543.2); c.1255+5817C>A (NM_001913.5); c.1249+5817C>A (NM_181500.4); c.1117+5817C>A (NM_001202545.3); c.1207+5817C>A (NM_001202544.3); c.1138+5817C>A (NM_001202546.3); short protein forms S708Y, S719Y.
Identifiers: ClinVar variation 2497943 (VCV002497943.1), dbSNP rs2485450947, ClinGen allele CA368680117.